The following is an entry in ClinVar:

NM_033124.5(DRC2):c.1155A>C (p.Glu385Asp)

Gene: DRC2 (dynein regulatory complex subunit 2; plus strand). Cytogenetic location: 12q13.12.
Variant type: single nucleotide variant.
Coding change: c.1155A>C on transcript NM_033124.5 (MANE Select); coding-DNA position 1155, A replaced by C.
Protein change: p.Glu385Asp; replaces glutamic acid 385 with aspartic acid.
Molecular consequence: missense variant.
Genome position (GRCh38, 1-based): chr12:48,921,058, A>C. VCF-style: chr12-48921058-A-C. GRCh37 (hg19) VCF-style: chr12-49314841-A-C.
Other names: c.726A>C, p.Glu242Asp (NM_001286957.2); short protein forms E242D, E385D.
Identifiers: ClinVar variation 2003034 (VCV002003034.4), dbSNP rs1424997002, ClinGen allele CA384636126.

ClinVar aggregate classification (germline): Uncertain significance (1 of 4 stars; one submission).

Conditions:
Primary ciliary dyskinesia 27. Also called: CILIARY DYSKINESIA, PRIMARY, 27, WITHOUT SITUS INVERSUS. Identifiers: Orphanet 244, MedGen C3809701, MONDO:0014215, OMIM 615504.

Allele frequency attached by ClinVar (database versions not stated): gnomAD exomes below 0.00001.
gnomAD v4.1: 2 of 1,612,558 alleles (0.00012%); highest among the groups gnomAD compares: Admixed American, 0.0017%; no homozygotes.

Submission:

Labcorp Genetics (formerly Invitae), Labcorp
Classification: Uncertain significance for Primary ciliary dyskinesia 27. Last evaluated: 2022-06-24. Review status: criteria provided, single submitter. Criteria: Invitae Variant Classification Sherloc (09022015). Collection method: clinical testing. Allele origin: germline.
Comment: In summary, the available evidence is currently insufficient to determine the role of this variant in disease. Therefore, it has been classified as a Variant of Uncertain Significance. Algorithms developed to predict the effect of missense changes on protein structure and function (SIFT, PolyPhen-2, Align-GVGD) all suggest that this variant is likely to be tolerated. This variant has not been reported in the literature in individuals affected with CCDC65-related conditions. This variant is not present in population databases (gnomAD no frequency). This sequence change replaces glutamic acid, which is acidic and polar, with aspartic acid, which is acidic and polar, at codon 385 of the CCDC65 protein (p.Glu385Asp).